The following is an entry in ClinVar:

NM_181703.4(GJA5):c.584A>G (p.Asn195Ser)

Genes: GJA5 (gap junction protein alpha 5; minus strand), LOC122128420 (Sharpr-MPRA regulatory region 3144; plus strand). Cytogenetic location: 1q21.2.
Variant type: single nucleotide variant.
Coding change: c.584A>G on transcript NM_181703.4 (MANE Select); coding-DNA position 584, A replaced by G.
Protein change: p.Asn195Ser; replaces asparagine 195 with serine.
Molecular consequence: missense variant.
Genome position (GRCh38, 1-based): chr1:147,758,655, T>C on the plus strand (A>G on the coding strand, the complement: GJA5 is on the minus strand). VCF-style: chr1-147758655-T-C. GRCh37 (hg19) VCF-style: chr1-147230763-T-C.
Other names: c.584A>G, p.Asn195Ser (NM_005266.7); short protein forms N195S.
Identifiers: ClinVar variation 2004727 (VCV002004727.4), dbSNP rs1663845807, ClinGen allele CA342395529.

ClinVar aggregate classification (germline): Uncertain significance (1 of 4 stars; one submission).

Conditions:
Atrial fibrillation, familial, 11 (ATFB11). Identifiers: MedGen C3279693, MONDO:0013544, OMIM 614049.
Atrial standstill 1 (ATRST1). Also called: ATRIAL CARDIOMYOPATHY WITH HEART BLOCK; CARDIOMYOPATHY, FAMILIAL, WITH CONDUCTION DISTURBANCE; Atrial standstill, digenic (GJA5/SCN5A). Identifiers: Orphanet 1344, MedGen C4551959, MONDO:0007171, OMIM 108770.

Submission:

Labcorp Genetics (formerly Invitae), Labcorp
Classification: Uncertain significance for Atrial fibrillation, familial, 11; Atrial standstill 1. Last evaluated: 2023-01-08. Review status: criteria provided, single submitter. Criteria: Invitae Variant Classification Sherloc (09022015). Collection method: clinical testing. Allele origin: germline.
Comment: In summary, the available evidence is currently insufficient to determine the role of this variant in disease. Therefore, it has been classified as a Variant of Uncertain Significance. Advanced modeling of protein sequence and biophysical properties (such as structural, functional, and spatial information, amino acid conservation, physicochemical variation, residue mobility, and thermodynamic stability) performed at Invitae indicates that this missense variant is expected to disrupt GJA5 protein function. This variant has not been reported in the literature in individuals affected with GJA5-related conditions. This variant is not present in population databases (gnomAD no frequency). This sequence change replaces asparagine, which is neutral and polar, with serine, which is neutral and polar, at codon 195 of the GJA5 protein (p.Asn195Ser).